The following is an entry in ClinVar:

NM_000020.3(ACVRL1):c.286A>G (p.Asn96Asp)

Gene: ACVRL1 (activin A receptor like type 1; plus strand). Cytogenetic location: 12q13.13.
Variant type: single nucleotide variant.
Coding change: c.286A>G on transcript NM_000020.3 (MANE Select); coding-DNA position 286, A replaced by G.
Protein change: p.Asn96Asp; replaces asparagine 96 with aspartic acid.
Molecular consequence: missense variant.
Genome position (GRCh38, 1-based): chr12:51,913,323, A>G. VCF-style: chr12-51913323-A-G. GRCh37 (hg19) VCF-style: chr12-52307107-A-G.
Other names: c.286A>G, p.Asn96Asp (NM_001077401.2); short protein forms N96D.
Identifiers: ClinVar variation 1698794 (VCV001698794.4), dbSNP rs2139065803, ClinGen allele CA384898084.

ClinVar aggregate classification (germline): Pathogenic/Likely pathogenic. Review status: criteria provided, multiple submitters, no conflicts (2 of 4 stars). 2 submissions from 2 submitters: Pathogenic (1); Likely pathogenic (1). Last evaluated 2024-06-30.

Conditions:
Telangiectasia, hereditary hemorrhagic, type 2 (HHT2). Also called: Telangiectasia, hereditary hemorrhagic, type II; ACVRL1-Related Hereditary Hemorrhagic Telangiectasia. Identifiers: Orphanet 774, MedGen C1838163, MONDO:0010880, OMIM 600376. Disease mechanism: loss of function.

Submissions (2):

Labcorp Genetics (formerly Invitae), Labcorp
Classification: Pathogenic for Telangiectasia, hereditary hemorrhagic, type 2. Last evaluated: 2024-06-30. Review status: criteria provided, single submitter. Criteria: Invitae Variant Classification Sherloc (09022015). Collection method: clinical testing. Allele origin: germline.
Comment: This sequence change replaces asparagine, which is neutral and polar, with aspartic acid, which is acidic and polar, at codon 96 of the ACVRL1 protein (p.Asn96Asp). This variant is not present in population databases (gnomAD no frequency). This missense change has been observed in individuals with clinical features of hereditary hemorrhagic telangiectasia (PMID: 10694922; Invitae). ClinVar contains an entry for this variant (Variation ID: 1698794). Advanced modeling of protein sequence and biophysical properties (such as structural, functional, and spatial information, amino acid conservation, physicochemical variation, residue mobility, and thermodynamic stability) performed at Invitae indicates that this missense variant is expected to disrupt ACVRL1 protein function with a positive predictive value of 95%. Experimental studies have shown that this missense change affects ACVRL1 function (PMID: 20501893, 23124896). This variant disrupts the p.Asn96 amino acid residue in ACVRL1. Other variant(s) that disrupt this residue have been determined to be pathogenic (Invitae). This suggests that this residue is clinically significant, and that variants that disrupt this residue are likely to be disease-causing. For these reasons, this variant has been classified as Pathogenic.

Genetics and Molecular Pathology, SA Pathology
Classification: Likely pathogenic for Telangiectasia, hereditary hemorrhagic, type 2. Last evaluated: 2020-10-14. Review status: criteria provided, single submitter. Criteria: ACMG Guidelines, 2015. Collection method: clinical testing. Allele origin: germline. Inheritance: Autosomal dominant inheritance. Affected: yes.
Comment: PS3, PM2, PP3, PP5

Literature cited by the submitters: PubMed 10694922 (cited by Labcorp Genetics (formerly Invitae), Labcorp); PubMed 20501893 (cited by Labcorp Genetics (formerly Invitae), Labcorp); PubMed 23124896 (cited by Labcorp Genetics (formerly Invitae), Labcorp).